The following is an entry in ClinVar:

NM_198253.3(TERT):c.2594G>A (p.Arg865His)

Gene: TERT (telomerase reverse transcriptase; minus strand). Cytogenetic location: 5p15.33.
Variant type: single nucleotide variant.
Coding change: c.2594G>A on transcript NM_198253.3 (MANE Select); coding-DNA position 2594, G replaced by A.
Protein change: p.Arg865His; replaces arginine 865 with histidine.
Molecular consequence: missense variant. On other transcripts: non-coding transcript variant (2).
Genome position (GRCh38, 1-based): chr5:1,266,524, C>T on the plus strand (G>A on the coding strand, the complement: TERT is on the minus strand). VCF-style: chr5-1266524-C-T. GRCh37 (hg19) VCF-style: chr5-1266639-C-T.
Other names: c.2594G>A, p.Arg865His (NM_001193376.3); short protein forms R865H.
Identifiers: ClinVar variation 12736 (VCV000012736.50), dbSNP rs121918666, ClinGen allele CA122665.

ClinVar aggregate classification (germline): Pathogenic/Likely pathogenic. Review status: criteria provided, multiple submitters, no conflicts (2 of 4 stars). 10 submissions from 9 submitters: Pathogenic (4); Likely pathogenic (2). 4 of the submissions do not count toward it. Last evaluated 2026-01-28.

Conditions:
Pulmonary fibrosis and/or bone marrow failure, Telomere-related, 1. Also called: PULMONARY FIBROSIS AND/OR BONE MARROW FAILURE SYNDROME, TELOMERE-RELATED, 1. Identifiers: Orphanet 88, MedGen C3553617, MONDO:0013878, OMIM 614742.
TERT-related disorder. Also called: TERT-related disorders; TERT-related condition.
Idiopathic Pulmonary Fibrosis. Also called: Idiopathic fibrosing alveolitis, chronic form; idiopathic fibrosing alveolitis. Identifiers: Orphanet 2032, MedGen C1800706, MeSH D054990, MONDO:0800504.
Dyskeratosis congenita, autosomal dominant 2. Identifiers: MedGen C3151443, MONDO:0013521, OMIM 613989.
Dyskeratosis congenita. Identifiers: Orphanet 1775, MedGen C0265965, MONDO:0015780.
Pulmonary fibrosis. Identifiers: MedGen C0034069, MONDO:0002771, HP:0002206.
Interstitial lung disease 2 (ILD2). Also called: Familial idiopathic pulmonary fibrosis; FIBROCYSTIC PULMONARY DYSPLASIA; FIBROSING ALVEOLITIS, CRYPTOGENIC. Identifiers: Orphanet 2032, Orphanet 79126, MedGen C5561926, MONDO:0800497, OMIM 178500, MONDO:0800029.

Allele frequency attached by ClinVar (database versions not stated): ExAC 0.00001; gnomAD 0.00001; gnomAD exomes 0.00001; TOPMed 0.00001.
gnomAD v4.1: 5 of 1,609,706 alleles (0.00031%); highest among the groups gnomAD compares: Non-Finnish European, 0.00042%; no homozygotes.

Submissions (10):

Ambry Genetics
Classification: Pathogenic for Dyskeratosis congenita. Last evaluated: 2026-01-28. Review status: criteria provided, single submitter. Criteria: Ambry Variant Classification Scheme 2023. Collection method: clinical testing. Allele origin: germline.
Comment: The p.R865H pathogenic mutation (also known as c.2594G>A), located in coding exon 10 of the TERT gene, results from a G to A substitution at nucleotide position 2594. The arginine at codon 865 is replaced by histidine, an amino acid with highly similar properties. This variant was identified in one or more individuals with features consistent with TERT-related disorder, specifically idiopathic pulmonary fibrosis (IPF), (Tsakiri KD et al. Proc Natl Acad Sci U S A, 2007 May;104:7552-7; Diaz de Leon A et al. PLoS One, 2010 May;5:e10680; Fernandez BA et al. Respir Res, 2012 Aug;13:64) and segregated with disease in at least one family (Tsakiri KD et al. Proc Natl Acad Sci U S A, 2007 May;104:7552-7). In multiple assays testing TERT function, this variant showed functionally abnormal results and a decrease in telomerase enzyme activity in both in vitro and human cells (Tsakiri KD et al. Proc Natl Acad Sci U S A, 2007 May;104:7552-7; Robart AR et al. J Biol Chem, 2010 Feb;285:4375-86; Zaug AJ et al. Nucleic Acids Res, 2013 Oct;41:8969-78; Tsang AR et al. Aging Cell, 2012 Jun;11:482-90; Doss CG et al. J Mol Model, 2013 Sep;19:3517-27). This amino acid position is highly conserved in available vertebrate species. In addition, this alteration is predicted to be deleterious by in silico analysis. Based on the supporting evidence, this variant is interpreted as a disease-causing mutation.

Labcorp Genetics (formerly Invitae), Labcorp
Classification: Pathogenic for Dyskeratosis congenita, autosomal dominant 2; Idiopathic Pulmonary Fibrosis. Last evaluated: 2025-03-30. Review status: criteria provided, single submitter. Criteria: Invitae Variant Classification Sherloc (09022015). Collection method: clinical testing. Allele origin: germline.
Comment: This sequence change replaces arginine, which is basic and polar, with histidine, which is basic and polar, at codon 865 of the TERT protein (p.Arg865His). This variant is present in population databases (rs121918666, gnomAD 0.004%). This missense change has been observed in individual(s) with clinical features of TERT-related conditions (PMID: 17460043, 22853774, 28102861, 30523342). It has also been observed to segregate with disease in related individuals. ClinVar contains an entry for this variant (Variation ID: 12736). Invitae Evidence Modeling of protein sequence and biophysical properties (such as structural, functional, and spatial information, amino acid conservation, physicochemical variation, residue mobility, and thermodynamic stability) indicates that this missense variant is expected to disrupt TERT protein function with a positive predictive value of 95%. Experimental studies have shown that this missense change affects TERT function (PMID: 17460043, 20022961, 22364217, 23901009, 25365545). For these reasons, this variant has been classified as Pathogenic.

Blueprint Genetics
Classification: Likely pathogenic for TERT-related disorders. Last evaluated: 2024-08-13. Review status: criteria provided, single submitter. Criteria: ACMG Guidelines, 2015. Collection method: clinical testing. Allele origin: germline. Affected: yes. Observed: 4 variant alleles.

Baylor Genetics
Classification: Pathogenic for Dyskeratosis congenita, autosomal dominant 2. Last evaluated: 2023-10-17. Review status: criteria provided, single submitter. Criteria: ACMG Guidelines, 2015. Collection method: clinical testing. Allele origin: unknown.

Garcia Pulmonary Genetics Research Laboratory, Columbia University Irving Medical Center
Classification: Likely pathogenic for Pulmonary fibrosis and/or bone marrow failure, Telomere-related, 1. Last evaluated: 2022-05-19. Review status: criteria provided, single submitter. Criteria: ACMG Guidelines, 2015. Collection method: research. Allele origin: germline. Affected: yes. Observed: 1 variant allele.

GeneDx
Classification: Pathogenic. Last evaluated: 2017-10-18. Review status: criteria provided, single submitter. Criteria: GeneDx Variant Classification (06012015). Collection method: clinical testing. Allele origin: germline. Affected: yes.
Comment: The R865H variant has been published previously in association with TERT-related disorders (Tsakiri et al., 2007; Fernandez et al., 2012; DiNardo et al., 2016). The variant is observed in 1/23030 (0.004%) alleles from individuals of African background in the ExAC dataset (Lek et al., 2016). This substitution occurs at a position that is conserved across species, and in silico analysis predicts this variant is probably damaging to the protein structure/function. Additionally, functional studies have demonstrated that R865H results in significantly reduced enzyme activities (Tsakiri et al., 2007; Zaug et al., 2013). In summary, we consider this variant to be pathogenic.

Garcia Pulmonary Genetics Research Laboratory, Columbia University Irving Medical Center
Classification: Likely risk allele for Pulmonary fibrosis. Last evaluated: 2022-06-09. Review status: no assertion criteria provided. Collection method: research. Allele origin: germline. Affected: yes. Not counted in ClinVar's aggregate classification.
Comment: Leukocyte telomere length (by qPCR) less than 10th percentile age-adjusted

Department of Respiratory and Critical Care Medicine, Tongji Hospital, Tongji Medical College, Huazhong University of Science and Technology
Classification: Pathogenic for Interstitial lung disease 2. Last evaluated: 2018-05-06. Review status: no assertion criteria provided. Collection method: case-control. Allele origin: germline. Affected: yes. Not counted in ClinVar's aggregate classification.

OMIM
Classification: Pathogenic for PULMONARY FIBROSIS AND/OR BONE MARROW FAILURE SYNDROME, TELOMERE-RELATED, 1. Last evaluated: 2007-05-01. Review status: no assertion criteria provided. Collection method: literature only. Allele origin: germline. Not counted in ClinVar's aggregate classification.

GeneReviews
No classification provided. Condition: Interstitial lung disease 2. Review status: no classification provided. Collection method: literature only. Allele origin: unknown. Not counted in ClinVar's aggregate classification.

Literature cited by the submitters: PubMed 17460043 (cited by 3 submitters); PubMed 20022961 (cited by Ambry Genetics and Labcorp Genetics (formerly Invitae), Labcorp); PubMed 20502709 (cited by Ambry Genetics); PubMed 22364217 (cited by Ambry Genetics and Labcorp Genetics (formerly Invitae), Labcorp); PubMed 22853774 (cited by Ambry Genetics and Labcorp Genetics (formerly Invitae), Labcorp); PubMed 23716176 (cited by Ambry Genetics); PubMed 23901009 (cited by Ambry Genetics and Labcorp Genetics (formerly Invitae), Labcorp); PubMed 28102861 (cited by Labcorp Genetics (formerly Invitae), Labcorp); PubMed 30523342 (cited by Labcorp Genetics (formerly Invitae), Labcorp); PubMed 25365545 (cited by Labcorp Genetics (formerly Invitae), Labcorp); PubMed 20301779 (cited by GeneReviews); NCBI Bookshelf NBK22301 (cited by GeneReviews).